The following is an entry in ClinVar:

NM_000090.4(COL3A1):c.2959G>A (p.Gly987Ser)

Gene: COL3A1 (collagen type III alpha 1 chain; plus strand). Cytogenetic location: 2q32.2.
Variant type: single nucleotide variant.
Coding change: c.2959G>A on transcript NM_000090.4 (MANE Select); coding-DNA position 2959, G replaced by A.
Protein change: p.Gly987Ser; replaces glycine 987 with serine.
Molecular consequence: missense variant.
Genome position (GRCh38, 1-based): chr2:189,005,377, G>A. VCF-style: chr2-189005377-G-A. GRCh37 (hg19) VCF-style: chr2-189870103-G-A.
Other names: c.2959G>A (LRG_3t1).
Identifiers: ClinVar variation 101296 (VCV000101296.21), dbSNP rs587779583, ClinGen allele CA005904.

ClinVar aggregate classification (germline): Pathogenic. Review status: criteria provided, multiple submitters, no conflicts (2 of 4 stars). 6 submissions from 6 submitters: Pathogenic (5). 1 of the submissions does not count toward it. Last evaluated 2025-10-01.

Conditions:
Familial thoracic aortic aneurysm and aortic dissection (TAAD). Also called: Thoracic aortic aneurysms and dissections. Identifiers: Orphanet 91387, MedGen C4707243, MONDO:0019625.
Ehlers-Danlos syndrome, type 4 (EDSVASC). Also called: Ehlers-Danlos syndrome vascular type; Ehlers Danlos syndrome, ecchymotic type; Ehlers Danlos syndrome, arterial type; Ehlers Danlos syndrome, Sack-Barabas type; Ehlers-Danlos Syndrome Type IV. Identifiers: Orphanet 286, MedGen C0268338, MONDO:0017314, OMIM 130050.

Allele frequency attached by ClinVar (database versions not stated): gnomAD exomes below 0.00001.
gnomAD v4.1: 2 of 1,613,984 alleles (0.00012%); highest among the groups gnomAD compares: Non-Finnish European, 0.00017%; no homozygotes.

Submissions (6):

Labcorp Genetics (formerly Invitae), Labcorp
Classification: Pathogenic for Ehlers-Danlos syndrome, type 4. Last evaluated: 2025-10-01. Review status: criteria provided, single submitter. Criteria: Invitae Variant Classification Sherloc (09022015). Collection method: clinical testing. Allele origin: germline.
Comment: This sequence change replaces glycine, which is neutral and non-polar, with serine, which is neutral and polar, at codon 987 of the COL3A1 protein (p.Gly987Ser). This variant is not present in population databases (gnomAD no frequency). This missense change has been observed in individual(s) with clinical features of Ehlers-Danlos syndrome (PMID: 24922459, 25758994, 29778910). In at least one individual the variant was observed to be de novo. ClinVar contains an entry for this variant (Variation ID: 101296). Invitae Evidence Modeling of protein sequence and biophysical properties (such as structural, functional, and spatial information, amino acid conservation, physicochemical variation, residue mobility, and thermodynamic stability) indicates that this missense variant is expected to disrupt COL3A1 protein function with a positive predictive value of 95%. This variant disrupts the triple helix domain of COL3A1. Glycine residues within the Gly-Xaa-Yaa repeats of the triple helix domain are required for the structure and stability of fibrillar collagens (PMID: 7695699, 8218237, 19344236). In COL3A1, variants that affect these glycine residues are significantly enriched in individuals with disease (PMID: 24922459, 25758994) compared to the general population (ExAC). This variant disrupts the p.Gly987 amino acid residue in COL3A1. Other variant(s) that disrupt this residue have been observed in individuals with COL3A1-related conditions (PMID: 25758994), which suggests that this may be a clinically significant amino acid residue. For these reasons, this variant has been classified as Pathogenic.

Color Diagnostics, LLC DBA Color Health
Classification: Pathogenic for Familial thoracic aortic aneurysm and aortic dissection. Last evaluated: 2025-02-03. Review status: criteria provided, single submitter. Criteria: ACMG Guidelines, 2015. Collection method: clinical testing. Allele origin: germline.
Comment: This missense variant replaces glycine with serine at codon 987 of the COL3A1 protein. This variant changes one of the conserved glycine residues within the Gly-Xaa-Yaa repeat motifs of the triple helical domain of the COL3A1 protein. Although functional studies have not been reported for this variant, conserved glycine residues within the Gly-Xaa-Yaa repeats are required for the structural stability of fibrillar collagens (PMID: 7695699, 8218237, 19344236) and missense variants occurring at these glycine residues have been associated with disease (PMID: 24922459, 25758994). Computational prediction suggests that this variant may have a deleterious impact on protein structure and function. This variant has been reported in individuals affected with vascular Ehlers Danlos syndrome (PMID: 24922459, 25758994, 29778910, 30474650), and has been reported to occur de novo in an affected individual (PMID: 29778910). This variant has not been identified in the general population by the Genome Aggregation Database (gnomAD). Based on the available evidence, this variant is classified as Pathogenic.

Ambry Genetics
Classification: Pathogenic for Familial thoracic aortic aneurysm and aortic dissection. Last evaluated: 2024-01-29. Review status: criteria provided, single submitter. Criteria: Ambry Variant Classification Scheme 2023. Collection method: clinical testing. Allele origin: germline.
Comment: The p.G987S pathogenic mutation (also known as c.2959G>A), located in coding exon 41 of the COL3A1 gene, results from a G to A substitution at nucleotide position 2959. The glycine at codon 987 is replaced by serine, an amino acid with similar properties. The majority (approximately two-thirds) of COL3A1 mutations identified to date have involved the substitution of another amino acid for glycine within the triple-helical domain (Pepin MG et al. Genet Med. 2014;16(12):881-8; Frank M et al. Eur J Hum Genet. 2015;23(12):1657-64). This particular glycine substitution has been detected in two vascular Ehlers-Danlos syndrome (EDS) cohorts and has been reported as a likely de novo alteration in a patient with features consistent with EDS (Pepin MG et al. Genet Med. 2014;16(12):881-8; Frank M et al. Eur J Hum Genet. 2015;23(12):1657-64; Lan NSR et al. Cardiovasc. Pathol. 2018;35:48-51). Internal structural analysis has demonstrated that this alteration disrupts the characteristic G-X-Y motif in the COL3A1 protein and inserts a bulky side chain into a sterically-constrained region (Bella J et al. Science. 1994;266:75-81; Hohenester E et al. Proc. Natl. Acad. Sci. U.S.A. 2008;105:18273-7; Ambry internal data). This variant is considered to be rare based on population cohorts in the Genome Aggregation Database (gnomAD). This amino acid position is highly conserved in available vertebrate species. In addition, this alteration is predicted to be deleterious by in silico analysis. Based on the supporting evidence, this alteration is interpreted as a disease-causing mutation.

Equipe Genetique des Anomalies du Developpement, Université de Bourgogne
Classification: Pathogenic for Ehlers-Danlos syndrome, type 4. Last evaluated: 2018-10-19. Review status: criteria provided, single submitter. Criteria: ACMG Guidelines, 2015. Collection method: clinical testing. Allele origin: de novo. Affected: yes.

Imagene.me medical diagnostic laboratory, IMAGENE.ME SA
Classification: Pathogenic for Ehlers-Danlos syndrome, type 4. Review status: criteria provided, single submitter. Criteria: IMAGENE.ME Variant Classification SOP 2022. Collection method: clinical testing. Allele origin: de novo. Affected: yes.
Comment: Classified according to the IMAGENE.ME variant classification SOP based on the ACMG guidelines as Pathogenic (P): PS4 + PS2_Moderate + PM1_Moderate + PM2_Supporting + PP2 + PP3

Collagen Diagnostic Laboratory, University of Washington
Classification: Pathogenic for Ehlers-Danlos syndrome, type 4. Review status: no assertion criteria provided. Collection method: clinical testing. Allele origin: germline. Affected: yes. Not counted in ClinVar's aggregate classification.

Literature cited by the submitters: PubMed 24922459 (cited by 3 submitters); PubMed 25758994 (cited by 3 submitters); PubMed 29778910 (cited by 3 submitters); PubMed 7695699 (cited by Labcorp Genetics (formerly Invitae), Labcorp and Color Diagnostics, LLC DBA Color Health); PubMed 8218237 (cited by Labcorp Genetics (formerly Invitae), Labcorp and Color Diagnostics, LLC DBA Color Health); PubMed 19344236 (cited by Labcorp Genetics (formerly Invitae), Labcorp and Color Diagnostics, LLC DBA Color Health); PubMed 30474650 (cited by Color Diagnostics, LLC DBA Color Health).